The following is an entry in ClinVar:

NM_000179.3(MSH6):c.1A>G (p.Met1Val)

Gene: MSH6 (mutS homolog 6; plus strand). Cytogenetic location: 2p16.3.
Variant type: single nucleotide variant.
Coding change: c.1A>G on transcript NM_000179.3 (MANE Select); coding-DNA position 1, A replaced by G.
Protein change: p.Met1Val; changes the start codon (methionine 1).
Molecular consequence: missense variant, initiator codon variant. On other transcripts: 5 prime UTR variant (1).
Genome position (GRCh38, 1-based): chr2:47,783,234, A>G. VCF-style: chr2-47783234-A-G. GRCh37 (hg19) VCF-style: chr2-48010373-A-G.
Other names: c.1A>G, p.Met1Val (NM_001281492.2); c.-736A>G (NM_001281493.2); short protein forms M1V.
Identifiers: ClinVar variation 1517490 (VCV001517490.11), dbSNP rs2103930478, ClinGen allele CA346734457.

ClinVar aggregate classification (germline): Pathogenic. Review status: criteria provided, multiple submitters, no conflicts (2 of 4 stars). 3 submissions from 3 submitters: Pathogenic (3). Last evaluated 2025-09-09.

Conditions:
Hereditary cancer-predisposing syndrome. Also called: Hereditary neoplastic syndrome; Hereditary Cancer Syndrome; Neoplastic Syndromes, Hereditary; Tumor predisposition. Identifiers: Orphanet 140162, MedGen C0027672, MeSH D009386, MONDO:0015356.
Hereditary nonpolyposis colorectal neoplasms. Identifiers: MedGen C0009405, MeSH D003123.
Lynch syndrome 5 (LYNCH5). Also called: Hereditary non-polyposis colorectal cancer, type 5; Colorectal cancer, hereditary nonpolyposis, type 5. Identifiers: Orphanet 144, MedGen C1833477, MONDO:0013710, OMIM 614350. Disease mechanism: loss of function.

Submissions (3):

Helix
Classification: Pathogenic for Lynch syndrome 5. Last evaluated: 2025-09-09. Review status: criteria provided, single submitter. Criteria: ACMG Guidelines, 2015. Collection method: clinical testing. Allele origin: germline. Inheritance: Autosomal dominant inheritance.
Comment: This variant (NM_000179.3:c.1A>G p.Met1?) alters the methionine residue at the initiation codon (ATG) and may result in loss of translation of the MSH6 protein. It is expected to disrupt transcription, leading to loss-of-function (LOF). LOF variants in this gene are known to be deleterious (PMID: 18269114, 24362816). It is a rare variant that is absent from the large gnomAD population database (PMID: 32461654). To our knowledge, this variant has not been reported in individuals with MSH6-related cancers. Other variant(s) at this codon (p.Met1) have been reported as likely pathogenic (ClinVar Variation ID: 2107348, 483877, 232954). This variant is present in ClinVar (Accession: VCV001517490.9). In conclusion, this variant has been classified as Pathogenic.

Ambry Genetics
Classification: Pathogenic for Hereditary cancer-predisposing syndrome. Last evaluated: 2025-01-29. Review status: criteria provided, single submitter. Criteria: Ambry Variant Classification Scheme 2023. Collection method: clinical testing. Allele origin: germline.
Comment: The p.M1? pathogenic mutation (also known as c.1A>G) is located in coding exon 1 of the MSH6 gene and results from a A to G substitution at nucleotide position 1. This alters the methionine residue at the initiation codon (ATG). This variant is considered to be rare based on population cohorts in the Genome Aggregation Database (gnomAD). Sequence variations that modify the initiation codon are expected to result in either loss of translation initiation, N-terminal truncation, or cause a shift in the mRNA reading frame. Based on the supporting evidence, this alteration is interpreted as a disease-causing mutation.

Labcorp Genetics (formerly Invitae), Labcorp
Classification: Pathogenic for Hereditary nonpolyposis colorectal neoplasms. Last evaluated: 2023-11-27. Review status: criteria provided, single submitter. Criteria: Invitae Variant Classification Sherloc (09022015). Collection method: clinical testing. Allele origin: germline.
Comment: This sequence change affects the initiator methionine of the MSH6 mRNA. The next in-frame methionine is located at codon 100. This variant is not present in population databases (gnomAD no frequency). Disruption of the initiator codon has been observed in individuals with clinical features of Lynch syndrome (PMID: 21520333; Invitae). ClinVar contains an entry for this variant (Variation ID: 1517490). For these reasons, this variant has been classified as Pathogenic.

Literature cited by the submitters: PubMed 21520333 (cited by Labcorp Genetics (formerly Invitae), Labcorp).